The following is an entry in ClinVar:

ClinVar aggregate classification (germline): Uncertain significance. Review status: criteria provided, multiple submitters, no conflicts (2 of 4 stars). 2 submissions from 2 submitters: Uncertain significance (2). Last evaluated 2025-08-02.

Conditions:
Inborn genetic diseases. Identifiers: MedGen C0950123, MeSH D030342.
Congenital myasthenic syndrome 8. Also called: Myasthenic syndrome, congenital, 8, with pre- and postsynaptic defects; MYASTHENIC SYNDROME, CONGENITAL, DUE TO AGRIN DEFICIENCY. Identifiers: Orphanet 590, MedGen C3808739, MONDO:0014052, OMIM 615120.

Allele frequency attached by ClinVar (database versions not stated): ExAC 0.00001; gnomAD 0.00003; TOPMed 0.00003; gnomAD exomes 0.00004 and 0.00005.
gnomAD v4.1: 81 of 1,605,722 alleles (0.005%); highest among the groups gnomAD compares: Non-Finnish European, 0.0067%; no homozygotes.

Submissions (2):

Ambry Genetics
Classification: Uncertain significance for Inborn genetic diseases. Last evaluated: 2025-08-02. Review status: criteria provided, single submitter. Criteria: Ambry Variant Classification Scheme 2023. Collection method: clinical testing. Allele origin: germline.

Labcorp Genetics (formerly Invitae), Labcorp
Classification: Uncertain significance for Congenital myasthenic syndrome 8. Last evaluated: 2021-08-28. Review status: criteria provided, single submitter. Criteria: Invitae Variant Classification Sherloc (09022015). Collection method: clinical testing. Allele origin: germline.
Comment: This sequence change replaces glutamic acid with lysine at codon 1243 of the AGRN protein (p.Glu1243Lys). The glutamic acid residue is highly conserved and there is a small physicochemical difference between glutamic acid and lysine. This variant is present in population databases (rs773267614, ExAC 0.002%). This variant has not been reported in the literature in individuals affected with AGRN-related conditions. Algorithms developed to predict the effect of missense changes on protein structure and function are either unavailable or do not agree on the potential impact of this missense change (SIFT: "Deleterious"; PolyPhen-2: "Benign"; Align-GVGD: "Class C0"). In summary, the available evidence is currently insufficient to determine the role of this variant in disease. Therefore, it has been classified as a Variant of Uncertain Significance.

NM_198576.4(AGRN):c.3727G>A (p.Glu1243Lys)

Gene: AGRN (agrin; plus strand). Cytogenetic location: 1p36.33.
Variant type: single nucleotide variant.
Coding change: c.3727G>A on transcript NM_198576.4 (MANE Select); coding-DNA position 3727, G replaced by A.
Protein change: p.Glu1243Lys; replaces glutamic acid 1243 with lysine.
Molecular consequence: missense variant.
Genome position (GRCh38, 1-based): chr1:1,047,871, G>A. VCF-style: chr1-1047871-G-A. GRCh37 (hg19) VCF-style: chr1-983251-G-A.
Other names: c.3727G>A, p.Glu1243Lys (NM_001305275.2); c.3412G>A, p.Glu1138Lys (NM_001364727.2); short protein forms E1243K, E1138K.
Identifiers: ClinVar variation 576109 (VCV000576109.7), dbSNP rs773267614, ClinGen allele CA509201.